The following is an entry in ClinVar:

NM_002890.3(RASA1):c.2287G>A (p.Glu763Lys)

Genes: CCNH (cyclin H; minus strand), RASA1 (RAS p21 protein activator 1; plus strand). Cytogenetic location: 5q14.3.
Variant type: single nucleotide variant.
Coding change: c.2287G>A on transcript NM_002890.3 (MANE Select); coding-DNA position 2287, G replaced by A.
Protein change: p.Glu763Lys; replaces glutamic acid 763 with lysine.
Molecular consequence: missense variant. On other transcripts: intron variant (1).
Genome position (GRCh38, 1-based): chr5:87,376,983, G>A. VCF-style: chr5-87376983-G-A. GRCh37 (hg19) VCF-style: chr5-86672800-G-A.
Other names: c.1756G>A, p.Glu586Lys (NM_022650.3); c.933+18061C>T (NM_001364075.2); short protein forms E586K, E763K.
Identifiers: ClinVar variation 1957139 (VCV001957139.7), dbSNP rs764802465, ClinGen allele CA3335959.

ClinVar aggregate classification (germline): Conflicting classifications of pathogenicity. Review status: criteria provided, conflicting classifications (1 of 4 stars). 3 submissions from 3 submitters: Uncertain significance (1); Likely benign (2). Last evaluated 2026-03-12.

Conditions:
Cardiovascular phenotype. Identifiers: MedGen CN230736.
Capillary malformation-arteriovenous malformation syndrome. Also called: Capillary malformation-arteriovenous malformation. Identifiers: Orphanet 137667, MedGen C1842180, MONDO:0012016.

Allele frequency attached by ClinVar (database versions not stated): TOPMed 0.00001; gnomAD exomes 0.00002; ExAC 0.00002; gnomAD 0.00003.
gnomAD v4.1: 29 of 1,613,616 alleles (0.0018%); highest among the groups gnomAD compares: Middle Eastern, 0.017%; no homozygotes.

Submissions (3):

Ambry Genetics
Classification: Likely benign for Cardiovascular phenotype. Last evaluated: 2026-03-12. Review status: criteria provided, single submitter. Criteria: Ambry Variant Classification Scheme 2023. Collection method: clinical testing. Allele origin: germline.

Labcorp Genetics (formerly Invitae), Labcorp
Classification: Uncertain significance for Capillary malformation-arteriovenous malformation syndrome. Last evaluated: 2026-01-13. Review status: criteria provided, single submitter. Criteria: Invitae Variant Classification Sherloc (09022015). Collection method: clinical testing. Allele origin: germline.
Comment: This sequence change replaces glutamic acid, which is acidic and polar, with lysine, which is basic and polar, at codon 763 of the RASA1 protein (p.Glu763Lys). This variant is present in population databases (rs764802465, gnomAD 0.02%). This variant has not been reported in the literature in individuals affected with RASA1-related conditions. ClinVar contains an entry for this variant (Variation ID: 1957139). An algorithm developed to predict the effect of missense changes on protein structure and function (PolyPhen-2) suggests that this variant is likely to be tolerated. Algorithms developed to predict the effect of sequence changes on RNA splicing suggest that this variant may disrupt the consensus splice site. In summary, the available evidence is currently insufficient to determine the role of this variant in disease. Therefore, it has been classified as a Variant of Uncertain Significance.

Blueprint Genetics
Classification: Likely benign. Last evaluated: 2024-03-07. Review status: criteria provided, single submitter. Criteria: ACMG Guidelines, 2015. Collection method: clinical testing. Allele origin: germline.